The following is an entry in ClinVar:

ClinVar aggregate classification (germline): Conflicting classifications of pathogenicity. Review status: criteria provided, conflicting classifications (1 of 4 stars). 8 submissions from 8 submitters: Uncertain significance (2); Likely benign (6). Last evaluated 2026-01-19.

Conditions:
Noonan syndrome and Noonan-related syndrome. Identifiers: Orphanet 98733, MedGen C5681679, MONDO:0020297.
Cardiovascular phenotype. Identifiers: MedGen CN230736.
Noonan syndrome 8 (NS8). Identifiers: Orphanet 648, MedGen C3809233, MONDO:0014143, OMIM 615355.

Allele frequency attached by ClinVar (database versions not stated): ExAC 0.00004; gnomAD 0.00007 and 0.00009; gnomAD exomes 0.00007 and 0.00011; TOPMed 0.00008; 1000 Genomes Project 0.00020; 1000 Genomes Project 30x 0.00031.
gnomAD v4.1: 172 of 1,613,758 alleles (0.011%); highest among the groups gnomAD compares: Middle Eastern, 0.05%; no homozygotes.

Submissions (8):

Labcorp Genetics (formerly Invitae), Labcorp
Classification: Uncertain significance for Noonan syndrome 8. Last evaluated: 2026-01-19. Review status: criteria provided, single submitter. Criteria: Invitae Variant Classification Sherloc (09022015). Collection method: clinical testing. Allele origin: germline.
Comment: This sequence change replaces arginine, which is basic and polar, with tryptophan, which is neutral and slightly polar, at codon 212 of the RIT1 protein (p.Arg212Trp). The frequency data for this variant in the population databases is considered unreliable, as metrics indicate poor data quality at this position in the gnomAD database. This variant has not been reported in the literature in individuals affected with RIT1-related conditions. ClinVar contains an entry for this variant (Variation ID: 280150). Invitae Evidence Modeling incorporating data from in vitro experimental studies (internal data) indicates that this missense variant is not expected to disrupt RIT1 function with a negative predictive value of 95%. In summary, the available evidence is currently insufficient to determine the role of this variant in disease. Therefore, it has been classified as a Variant of Uncertain Significance.

Molecular Diagnostic Laboratory for Inherited Cardiovascular Disease, Montreal Heart Institute
Classification: Likely benign. Last evaluated: 2025-04-09. Review status: criteria provided, single submitter. Criteria: ACMG Guidelines, 2015. Collection method: clinical testing. Allele origin: germline. Affected: no.
Comment: BS1;BP4

Blueprint Genetics
Classification: Likely benign. Last evaluated: 2024-09-21. Review status: criteria provided, single submitter. Criteria: ACMG Guidelines, 2015. Collection method: clinical testing. Allele origin: germline.

Women's Health and Genetics/Laboratory Corporation of America, LabCorp
Classification: Likely benign. Last evaluated: 2024-08-27. Review status: criteria provided, single submitter. Criteria: LabCorp Variant Classification Summary - May 2015. Collection method: clinical testing. Allele origin: germline.
Comment: Variant summary: RIT1 c.634C>T (p.Arg212Trp) results in a non-conservative amino acid change located in the Small GTPase of the encoded protein sequence. Three of five in-silico tools predict a benign effect of the variant on protein function. The variant allele was found at a frequency of 7.2e-05 in 251418 control chromosomes. The observed variant frequency is approximately 5.73 fold of the estimated maximal expected allele frequency for a pathogenic variant in RIT1 causing Noonan Syndrome And Related Conditions phenotype (1.3e-05). c.634C>T has not been reported in the literature in individuals affected with Noonan Syndrome And Related Conditions with clear evidence for causality. To our knowledge, no experimental evidence demonstrating an impact on protein function has been reported. ClinVar contains an entry for this variant (Variation ID: 280150). Based on the evidence outlined above, the variant was classified as likely benign.

Genome Diagnostics Laboratory, The Hospital for Sick Children
Classification: Likely benign for Noonan syndrome and Noonan-related syndrome. Last evaluated: 2020-05-01. Review status: criteria provided, single submitter. Criteria: ACMG Guidelines, 2015. Collection method: clinical testing. Allele origin: germline.

Ambry Genetics
Classification: Likely benign for Cardiovascular phenotype. Last evaluated: 2020-03-30. Review status: criteria provided, single submitter. Criteria: Ambry Variant Classification Scheme 2023. Collection method: clinical testing. Allele origin: germline.

GeneDx
Classification: Likely benign. Last evaluated: 2018-05-24. Review status: criteria provided, single submitter. Criteria: GeneDx Variant Classification (06012015). Collection method: clinical testing. Allele origin: germline. Affected: yes.
Comment: This variant is considered likely benign or benign based on one or more of the following criteria: it is a conservative change, it occurs at a poorly conserved position in the protein, it is predicted to be benign by multiple in silico algorithms, and/or has population frequency not consistent with disease.

ARUP Laboratories, Molecular Genetics and Genomics, ARUP Laboratories
Classification: Uncertain significance. Last evaluated: 2018-02-23. Review status: criteria provided, single submitter. Criteria: ARUP Molecular Germline Variant Investigation Process. Collection method: clinical testing. Allele origin: germline.
Comment: The RIT1 c.634C>T; p.Arg212Trp variant (rs563231684, ClinVar variant ID 280150), to our knowledge, is not reported in the medical literature, gene specific variation databases, nor has it been previously identified by our laboratory. This variant is listed in the genome Aggregation Database (gnomAD) with an overall population frequency of 0.008% (identified on 19 out of 246,228 chromosomes). The arginine at position 212 is highly conserved, considering 12 species, and computational analyses of the effects of the p.Arg212Trp variant on protein structure and function do not predict a deleterious effect (SIFT: tolerated, PolyPhen-2: benign). Based on the available information, the clinical significance of the p.Arg212Trp variant cannot be determined with certainty.

NM_006912.6(RIT1):c.634C>T (p.Arg212Trp)

Gene: RIT1 (Ras like without CAAX 1; minus strand). Cytogenetic location: 1q22.
Variant type: single nucleotide variant.
Coding change: c.634C>T on transcript NM_006912.6 (MANE Select); coding-DNA position 634, C replaced by T.
Protein change: p.Arg212Trp; replaces arginine 212 with tryptophan.
Molecular consequence: missense variant.
Genome position (GRCh38, 1-based): chr1:155,900,414, G>A on the plus strand (C>T on the coding strand, the complement: RIT1 is on the minus strand). VCF-style: chr1-155900414-G-A. GRCh37 (hg19) VCF-style: chr1-155870205-G-A.
Other names: c.634C>T, p.Arg212Trp (LRG_1372t1); c.526C>T, p.Arg176Trp (NM_001256820.2); c.685C>T, p.Arg229Trp (NM_001256821.2); short protein forms R212W, R176W, R229W.
Identifiers: ClinVar variation 280150 (VCV000280150.24), dbSNP rs563231684, ClinGen allele CA1151760.